The following is an entry in ClinVar:

NM_003907.3(EIF2B5):c.862C>G (p.His288Asp)

Gene: EIF2B5 (eukaryotic translation initiation factor 2B subunit epsilon; plus strand). Cytogenetic location: 3q27.1.
Variant type: single nucleotide variant.
Coding change: c.862C>G on transcript NM_003907.3 (MANE Select); coding-DNA position 862, C replaced by G.
Protein change: p.His288Asp; replaces histidine 288 with aspartic acid.
Molecular consequence: missense variant.
Genome position (GRCh38, 1-based): chr3:184,140,436, C>G. VCF-style: chr3-184140436-C-G. GRCh37 (hg19) VCF-style: chr3-183858224-C-G.
Other names: short protein forms H288D.
Identifiers: ClinVar variation 1098408 (VCV001098408.2), dbSNP rs2109008895, ClinGen allele CA355384658.

ClinVar aggregate classification (germline): Likely pathogenic (1 of 4 stars; one submission).

Submission:

Genetics Laboratory, UDIAT-Centre Diagnòstic, Hospital Universitari Parc Tauli
Classification: Likely pathogenic. Last evaluated: 2021-04-26. Review status: criteria provided, single submitter. Criteria: Parc Tauli Hospital Assertion Criteria 2021. Collection method: clinical testing. Allele origin: paternal. Inheritance: Autosomal recessive inheritance. Affected: yes. Observed: 1 compound heterozygote.
Comment: PM2_supporting;PM3_moderate;PP2_supporting;PP3_supporting